The following is an entry in ClinVar:

ClinVar aggregate classification (germline): Benign/Likely benign. Review status: criteria provided, multiple submitters, no conflicts (2 of 4 stars). 7 submissions from 7 submitters: Benign (5); Likely benign (1). 1 of the submissions does not count toward it. Last evaluated 2026-01-27.

Conditions:
SCN1A-related disorder. Also called: SCN1A-related disorders; SCN1A-related conditions; SCN1A-related condition.
Early-infantile DEE. Also called: Ohtahara syndrome; Early infantile epileptic encephalopathy; Early infantile epileptic encephalopathy with suppression bursts. Identifiers: Orphanet 1934, MedGen C0393706, MONDO:0800491.
Severe myoclonic epilepsy in infancy (DRVT). Also called: Epileptic encephalopathy, early infantile, 6 (Dravet syndrome); DEVELOPMENTAL AND EPILEPTIC ENCEPHALOPATHY 6A; Severe Myoclonic Epilepsy in Infancy (SMEI); SEVERE MYOCLONIC EPILEPSY OF INFANCY; Dravet syndrome. Identifiers: Orphanet 33069, MedGen C0751122, MONDO:0100135, OMIM 607208.

Allele frequency attached by ClinVar (database versions not stated): gnomAD 0.00001 and 0.00011; TOPMed 0.00003; ESP Exome Variant Server 0.00008; gnomAD exomes 0.00028 and 0.00051; 1000 Genomes Project 30x 0.00047; ExAC 0.00056; 1000 Genomes Project 0.00060.

Submissions (17):

Labcorp Genetics (formerly Invitae), Labcorp
Classification: Benign for Early-infantile DEE. Last evaluated: 2026-01-27. Review status: criteria provided, single submitter. Criteria: Invitae Variant Classification Sherloc (09022015). Collection method: clinical testing. Allele origin: germline.

Blueprint Genetics
Classification: Likely benign. Last evaluated: 2024-11-19. Review status: criteria provided, single submitter. Criteria: ACMG Guidelines, 2015. Collection method: clinical testing. Allele origin: germline.

CeGaT Center for Human Genetics Tuebingen
Classification: Benign. Last evaluated: 2023-12-01. Review status: criteria provided, single submitter. Criteria: CeGaT Center For Human Genetics Tuebingen Variant Classification Criteria Version 2. Collection method: clinical testing. Allele origin: germline. Affected: yes. Observed: 2 variant alleles.
Comment: SCN1A: PP2, BS1, BS2

Mendelics
Classification: Benign for Severe myoclonic epilepsy in infancy. Last evaluated: 2023-08-22. Review status: criteria provided, single submitter. Criteria: Mendelics Assertion Criteria 2019. Collection method: clinical testing. Allele origin: germline.

GeneDx
Classification: Benign. Last evaluated: 2018-12-20. Review status: criteria provided, single submitter. Criteria: GeneDx Variant Classification Process June 2021. Collection method: clinical testing. Allele origin: germline. Affected: yes.
Comment: Reported in the heterozygous state in an individual with intractable epilepsy (Wang et al., 2012); In silico analysis supports that this missense variant does not alter protein structure/function; This variant is associated with the following publications: (PMID: 23195492)

Women's Health and Genetics/Laboratory Corporation of America, LabCorp
Classification: Benign. Last evaluated: 2018-08-29. Review status: criteria provided, single submitter. Criteria: LabCorp Variant Classification Summary - May 2015. Collection method: clinical testing. Allele origin: germline.
Comment: Variant summary: SCN1A c.4855A>G (p.Met1619Val) results in a conservative amino acid change located in the Ion transport domain (IPR005821) of the encoded protein sequence. Three of five in-silico tools predict a damaging effect of the variant on protein function. The variant allele was found at a frequency of 0.00051 in 245532 control chromosomes, predominantly within the South Asian subpopulation in the gnomAD database at a frequency of 0.004, including 3 homozygotes. The observed variant frequency within South Asian control individuals in the gnomAD database is approximately 320-fold above the estimated maximal expected allele frequency for a pathogenic variant in SCN1A causing Intractable Childhood Epilepsy with Generalized Tonic-Clonic seizures phenotype (1.3e-05), strongly suggesting that the variant is a benign polymorphism found primarily in populations of South Asian origin. The variant, c.4855A>G, has been reported in the literature in one individual affected with Intractable Childhood Epilepsy (Wang_2012). This report does not provide unequivocal conclusions about association of the variant with Intractable Childhood Epilepsy with Generalized Tonic-Clonic seizures. To our knowledge, no experimental evidence demonstrating an impact on protein function has been reported. One clinical diagnostic laboratory has submitted clinical-significance assessments for this variant to ClinVar after 2014 without evidence for independent evaluation and classified the variant as benign. Based on the evidence outlined above, the variant was classified as benign.

PreventionGenetics, part of Exact Sciences
Classification: Likely benign for SCN1A-related condition. Last evaluated: 2020-03-05. Review status: no assertion criteria provided. Collection method: clinical testing. Allele origin: germline. Not counted in ClinVar's aggregate classification.
Comment: This variant is classified as likely benign based on ACMG/AMP sequence variant interpretation guidelines (Richards et al. 2015 PMID: 25741868, with internal and published modifications).

Channelopathy-Associated Epilepsy Research Center
No classification provided (evidence only). Review status: no classification provided. Collection method: in vitro. Allele origin: not applicable. Functional consequence: Normal peak current. Not counted in ClinVar's aggregate classification.

Channelopathy-Associated Epilepsy Research Center
No classification provided (evidence only). Review status: no classification provided. Collection method: in vitro. Allele origin: not applicable. Functional consequence: Normal voltage dependence of activation. Not counted in ClinVar's aggregate classification.

Channelopathy-Associated Epilepsy Research Center
No classification provided (evidence only). Review status: no classification provided. Collection method: in vitro. Allele origin: not applicable. Functional consequence: Normal slope of activation. Not counted in ClinVar's aggregate classification.

Channelopathy-Associated Epilepsy Research Center
No classification provided (evidence only). Review status: no classification provided. Collection method: in vitro. Allele origin: not applicable. Functional consequence: Normal voltage dependence of fast inactivation. Not counted in ClinVar's aggregate classification.

Channelopathy-Associated Epilepsy Research Center
No classification provided (evidence only). Review status: no classification provided. Collection method: in vitro. Allele origin: not applicable. Functional consequence: Normal slope of fast inactivation. Not counted in ClinVar's aggregate classification.

Channelopathy-Associated Epilepsy Research Center
No classification provided (evidence only). Review status: no classification provided. Collection method: in vitro. Allele origin: not applicable. Functional consequence: Slowing of recovery from fast inactivation. Not counted in ClinVar's aggregate classification.

Channelopathy-Associated Epilepsy Research Center
No classification provided (evidence only). Review status: no classification provided. Collection method: in vitro. Allele origin: not applicable. Functional consequence: Normal current amplitude in use dependence. Not counted in ClinVar's aggregate classification.

Channelopathy-Associated Epilepsy Research Center
No classification provided (evidence only). Review status: no classification provided. Collection method: in vitro. Allele origin: not applicable. Functional consequence: Normal fast inactivation. Not counted in ClinVar's aggregate classification.

Channelopathy-Associated Epilepsy Research Center
No classification provided (evidence only). Review status: no classification provided. Collection method: in vitro. Allele origin: not applicable. Functional consequence: Normal ramp current. Not counted in ClinVar's aggregate classification.

Channelopathy-Associated Epilepsy Research Center
No classification provided (evidence only). Review status: no classification provided. Collection method: in vitro. Allele origin: not applicable. Functional consequence: Normal persistent current. Not counted in ClinVar's aggregate classification.

Literature cited by the submitters: PubMed 23195492 (cited by Women's Health and Genetics/Laboratory Corporation of America, LabCorp).

NM_001165963.4(SCN1A):c.4855A>G (p.Met1619Val)

Genes: SCN1A (sodium voltage-gated channel alpha subunit 1; minus strand), LOC102724058 (uncharacterized LOC102724058; plus strand). Cytogenetic location: 2q24.3.
Variant type: single nucleotide variant.
Coding change: c.4855A>G on transcript NM_001165963.4 (MANE Select); coding-DNA position 4855, A replaced by G.
Protein change: p.Met1619Val; replaces methionine 1619 with valine.
Molecular consequence: missense variant. On other transcripts: non-coding transcript variant (1).
Genome position (GRCh38, 1-based): chr2:165,992,420, T>C on the plus strand (A>G on the coding strand, the complement: SCN1A is on the minus strand). VCF-style: chr2-165992420-T-C. GRCh37 (hg19) VCF-style: chr2-166848930-T-C.
Other names: p.M1619V:ATG>GTG; c.4771A>G, p.Met1591Val (NM_001165964.3, NM_001353957.2, NM_001353958.2); c.4855A>G, p.Met1619Val (NM_001202435.3, NM_001353948.2); c.4822A>G, p.Met1608Val (NM_001353949.2, NM_001353950.2, NM_001353951.2 and 2 more transcripts); c.4819A>G, p.Met1607Val (NM_001353954.2, NM_001353955.2); c.4768A>G, p.Met1590Val (NM_001353960.2); c.2413A>G, p.Met805Val (NM_001353961.2); c.4855A>G (NM_001202435.1); short protein forms M1608V, M1619V, M1590V, M1607V, M805V, M1591V.
Identifiers: ClinVar variation 206851 (VCV000206851.44), dbSNP rs373967247, ClinGen allele CA317549.